The following is an entry in ClinVar:

ClinVar aggregate classification (germline): Benign/Likely benign (0 of 4 stars; one submission).

Submission:

ISCA site 4
Classification: Benign/Likely benign. Last evaluated: 2012-09-21. Review status: no assertion criteria provided. Collection method: clinical testing. Allele origin: unknown. Affected: yes. Observed: 5 variant alleles. Clinical features observed: Abnormality of the nervous system (HP:0000707), Developmental delay AND/OR other significant developmental or morphological phenotypes, Global developmental delay (HP:0001263), Myopathy (HP:0003198), Hypertonia (HP:0001276), Seizure (HP:0001250), Autism (HP:0000717), Delayed speech and language development (HP:0000750), Abnormality of movement (HP:0100022), Developmental regression (HP:0002376).
Comment: Likely benign (4), Benign (1)

Copy number variation identified through the course of routine clinical cytogenomic testing in postnatal populations, with clinical assertions as classified by the original submitter.

GRCh38/hg38 7q11.21(chr7:65149475-65606012)x1

Genes: ZNF92 (zinc finger protein 92; plus strand), LOC129389803 (MPRA-validated peak6540 silencer; plus strand). Cytogenetic location: 7q11.21.
Variant type: copy number loss.
Change: copy number 1 (one copy instead of two) of chr7:65,149,475-65,606,012 (456.5 kb, GRCh38 coordinates, 1-based), cytogenetic band 7q11.21.
Identifiers: ClinVar variation 146731 (VCV000146731.2).